The following is an entry in ClinVar:

ClinVar aggregate classification (germline): Pathogenic (1 of 4 stars; one submission).

Conditions:
Neurofibromatosis, type 1 (NF1). Also called: VON RECKLINGHAUSEN DISEASE; Neurofibromatosis, type I; NEUROFIBROMATOSIS, TYPE I, SOMATIC; Peripheral type neurofibromatosis. Identifiers: Orphanet 636, MedGen C0027831, MONDO:0018975, OMIM 162200. Disease mechanism: loss of function.

Submission:

Labcorp Genetics (formerly Invitae), Labcorp
Classification: Pathogenic for Neurofibromatosis, type 1. Last evaluated: 2018-09-10. Review status: criteria provided, single submitter. Criteria: Invitae Variant Classification Sherloc (09022015). Collection method: clinical testing. Allele origin: germline.
Comment: For these reasons, this variant has been classified as Pathogenic. Loss-of-function variants in NF1 are known to be pathogenic (PMID: 10712197, 23913538). This variant has not been reported in the literature in individuals with NF1-related disease. This variant is an out-of-frame deletion of the genomic region encompassing exons 25-30 of the NF1 gene. This is expected to create a premature translational stop signal and result in an absent or disrupted protein product.

Literature cited by the submitters: PubMed 10712197; PubMed 23913538.

NC_000017.11:g.(?_31232063)_(31249129_?)del

Gene: NF1 (neurofibromin 1; plus strand). Cytogenetic location: 17q11.2.
Variant type: Deletion.
Identifiers: ClinVar variation 647943 (VCV000647943.3).